The following is an entry in ClinVar:

ClinVar aggregate classification (germline): Uncertain significance (1 of 4 stars; one submission).

Submission:

Labcorp Genetics (formerly Invitae), Labcorp
Classification: Uncertain significance. Last evaluated: 2022-03-13. Review status: criteria provided, single submitter. Criteria: Invitae Variant Classification Sherloc (09022015). Collection method: clinical testing. Allele origin: germline.
Comment: In summary, the available evidence is currently insufficient to determine the role of this variant in disease. Therefore, it has been classified as a Variant of Uncertain Significance. Algorithms developed to predict the effect of missense changes on protein structure and function (SIFT, PolyPhen-2, Align-GVGD) all suggest that this variant is likely to be disruptive. This variant has not been reported in the literature in individuals affected with PRDM5-related conditions. This variant is not present in population databases (gnomAD no frequency). This sequence change replaces cysteine, which is neutral and slightly polar, with tyrosine, which is neutral and polar, at codon 264 of the PRDM5 protein (p.Cys264Tyr).

NM_018699.4(PRDM5):c.791G>A (p.Cys264Tyr)

Gene: PRDM5 (PR/SET domain 5; minus strand). Cytogenetic location: 4q27.
Variant type: single nucleotide variant.
Coding change: c.791G>A on transcript NM_018699.4 (MANE Select); coding-DNA position 791, G replaced by A.
Protein change: p.Cys264Tyr; replaces cysteine 264 with tyrosine.
Molecular consequence: missense variant.
Genome position (GRCh38, 1-based): chr4:120,816,527, C>T on the plus strand (G>A on the coding strand, the complement: PRDM5 is on the minus strand). VCF-style: chr4-120816527-C-T. GRCh37 (hg19) VCF-style: chr4-121737682-C-T.
Other names: c.698G>A, p.Cys233Tyr (NM_001300823.2, NM_001300824.2, NM_001379106.1); c.791G>A, p.Cys264Tyr (NM_001379104.1); short protein forms C233Y, C264Y.
Identifiers: ClinVar variation 2111226 (VCV002111226.4), dbSNP rs1237740922, ClinGen allele CA358207541.